The following is an entry in ClinVar:

ClinVar aggregate classification (germline): Uncertain significance. Review status: criteria provided, multiple submitters, no conflicts (2 of 4 stars). 2 submissions from 2 submitters: Uncertain significance (2). Last evaluated 2026-02-17.

Conditions:
Hereditary cancer-predisposing syndrome. Also called: Hereditary Cancer Syndrome; Hereditary neoplastic syndrome; Neoplastic Syndromes, Hereditary; Tumor predisposition. Identifiers: Orphanet 140162, MedGen C0027672, MeSH D009386, MONDO:0015356.
Tumor predisposition syndrome 3 (TPDS3). Also called: Melanoma, cutaneous malignant, susceptibility to, 10; Glioma susceptibility 9; LONG TELOMERE SYNDROME, POT1-RELATED; POT1 Tumor Predisposition. Identifiers: Orphanet 618, MedGen C4014476, MONDO:0014368, OMIM 615848.

Allele frequency attached by ClinVar (database versions not stated): gnomAD exomes below 0.00001.

Submissions (2):

Ambry Genetics
Classification: Uncertain significance for Hereditary cancer-predisposing syndrome. Last evaluated: 2026-02-17. Review status: criteria provided, single submitter. Criteria: Ambry Variant Classification Scheme 2023. Collection method: clinical testing. Allele origin: germline.
Comment: The c.870-57_882dup70 variant results from a duplication of 70 nucleotides between positions 870-57 and 882 and involves the canonical splice acceptor site before coding exon 7 of the POT1 gene. In silico splice site analysis predicts that this alteration will not have any significant effect on splicing; however, the exact impact of this duplication on splicing and function is currently unknown. The canonical splice acceptor site is highly conserved in available vertebrate species. Based on the available evidence, the clinical significance of this variant remains unclear.

Labcorp Genetics (formerly Invitae), Labcorp
Classification: Uncertain significance for Tumor predisposition syndrome 3. Last evaluated: 2024-03-15. Review status: criteria provided, single submitter. Criteria: Invitae Variant Classification Sherloc (09022015). Collection method: clinical testing. Allele origin: germline.
Comment: This sequence change falls in intron 10 of the POT1 gene. It does not directly change the encoded amino acid sequence of the POT1 protein. This variant is not present in population databases (gnomAD no frequency). This variant has not been reported in the literature in individuals affected with POT1-related conditions. This variant is also known as p.Ala295Asnfs*5. ClinVar contains an entry for this variant (Variation ID: 1764376). Experimental studies and prediction algorithms are not available or were not evaluated, and the effect of this variant on mRNA splicing is currently unknown. In summary, the available evidence is currently insufficient to determine the role of this variant in disease. Therefore, it has been classified as a Variant of Uncertain Significance.

NM_015450.3(POT1):c.870-57_882dup

Gene: POT1 (protection of telomeres 1; minus strand). Cytogenetic location: 7q31.33.
Variant type: Duplication.
Coding change: c.870-57_882dup on transcript NM_015450.3 (MANE Select); 57 bases into the intron before coding-DNA position 870 through coding-DNA position 882, 70 bases duplicated.
Molecular consequence: splice acceptor variant.
Genome position (GRCh38, 1-based): chr7:124,851,939-124,852,008, 70 bases duplicated. GRCh37 (hg19): chr7:124,491,993-124,492,062.
Other names: c.477-57_489dup (NM_001042594.2).
Identifiers: ClinVar variation 1764376 (VCV001764376.5), dbSNP rs2485437310, ClinGen allele CA1106790751.